The following is an entry in ClinVar:

ClinVar aggregate classification (germline): Uncertain significance. Review status: criteria provided, multiple submitters, no conflicts (2 of 4 stars). 2 submissions from 2 submitters: Uncertain significance (2). Last evaluated 2022-03-03.

Conditions:
Aspartylglucosaminuria (AGU). Also called: Aspartylglucos-aminuria; Aspartylglucos-amidase (AGA) deficiency; AGA DEFICIENCY; GLYCOASPARAGINASE; GLYCOSYLASPARAGINASE DEFICIENCY. Identifiers: Orphanet 93, MedGen C0268225, MONDO:0008830, OMIM 208400, HP:0012068.

Allele frequency attached by ClinVar (database versions not stated): TOPMed below 0.00001; gnomAD 0.00001.
gnomAD v4.1: 1 of 1,613,956 alleles (0.000062%); highest among the groups gnomAD compares: African/African-American, 0.0013%; no homozygotes.

Submissions (2):

Labcorp Genetics (formerly Invitae), Labcorp
Classification: Uncertain significance for Aspartylglucosaminuria. Last evaluated: 2022-03-03. Review status: criteria provided, single submitter. Criteria: Invitae Variant Classification Sherloc (09022015). Collection method: clinical testing. Allele origin: germline.
Comment: This sequence change replaces tyrosine, which is neutral and polar, with cysteine, which is neutral and slightly polar, at codon 275 of the AGA protein (p.Tyr275Cys). This variant is not present in population databases (gnomAD no frequency). This variant has not been reported in the literature in individuals affected with AGA-related conditions. ClinVar contains an entry for this variant (Variation ID: 901961). Algorithms developed to predict the effect of missense changes on protein structure and function are either unavailable or do not agree on the potential impact of this missense change (SIFT: "Tolerated"; PolyPhen-2: "Probably Damaging"; Align-GVGD: "Class C15"). In summary, the available evidence is currently insufficient to determine the role of this variant in disease. Therefore, it has been classified as a Variant of Uncertain Significance.

Illumina Laboratory Services, Illumina
Classification: Uncertain significance for Aspartylglucosaminuria. Last evaluated: 2017-04-28. Review status: criteria provided, single submitter. Criteria: ICSL Variant Classification Criteria 13 December 2019. Collection method: clinical testing. Allele origin: germline.

NM_000027.4(AGA):c.824A>G (p.Tyr275Cys)

Gene: AGA (aspartylglucosaminidase; minus strand). Cytogenetic location: 4q34.3.
Variant type: single nucleotide variant.
Coding change: c.824A>G on transcript NM_000027.4 (MANE Select); coding-DNA position 824, A replaced by G.
Protein change: p.Tyr275Cys; replaces tyrosine 275 with cysteine.
Molecular consequence: missense variant. On other transcripts: non-coding transcript variant (1).
Genome position (GRCh38, 1-based): chr4:177,433,330, T>C on the plus strand (A>G on the coding strand, the complement: AGA is on the minus strand). VCF-style: chr4-177433330-T-C. GRCh37 (hg19) VCF-style: chr4-178354484-T-C.
Other names: c.794A>G, p.Tyr265Cys (NM_001171988.2); short protein forms Y265C, Y275C.
Identifiers: ClinVar variation 901961 (VCV000901961.9), dbSNP rs1254844989, ClinGen allele CA358781519.